The following is an entry in ClinVar:

NM_001134363.3(RBM20):c.650G>T (p.Gly217Val)

Gene: RBM20 (RNA binding motif protein 20; plus strand). Cytogenetic location: 10q25.2.
Variant type: single nucleotide variant.
Coding change: c.650G>T on transcript NM_001134363.3 (MANE Select); coding-DNA position 650, G replaced by T.
Protein change: p.Gly217Val; replaces glycine 217 with valine.
Molecular consequence: missense variant.
Genome position (GRCh38, 1-based): chr10:110,781,259, G>T. VCF-style: chr10-110781259-G-T. GRCh37 (hg19) VCF-style: chr10-112541017-G-T.
Other names: short protein forms G217V.
Identifiers: ClinVar variation 1328861 (VCV001328861.8), dbSNP rs1189201346, ClinGen allele CA378381894.

ClinVar aggregate classification (germline): Uncertain significance. Review status: criteria provided, multiple submitters, no conflicts (2 of 4 stars). 3 submissions from 3 submitters: Uncertain significance (3). Last evaluated 2023-06-13.

Conditions:
Cardiovascular phenotype. Identifiers: MedGen CN230736.
Dilated cardiomyopathy 1DD (CMD1DD). Identifiers: Orphanet 154, MedGen C2750995, MONDO:0013168, OMIM 613172.

Allele frequency attached by ClinVar (database versions not stated): TOPMed below 0.00001; gnomAD 0.00001; gnomAD exomes 0.00001.
gnomAD v4.1: 17 of 1,551,554 alleles (0.0011%); highest among the groups gnomAD compares: Non-Finnish European, 0.0015%; no homozygotes.

Submissions (3):

Ambry Genetics
Classification: Uncertain significance for Cardiovascular phenotype. Last evaluated: 2023-06-13. Review status: criteria provided, single submitter. Criteria: Ambry Variant Classification Scheme 2023. Collection method: clinical testing. Allele origin: germline.

Labcorp Genetics (formerly Invitae), Labcorp
Classification: Uncertain significance for Dilated cardiomyopathy 1DD. Last evaluated: 2022-04-09. Review status: criteria provided, single submitter. Criteria: Invitae Variant Classification Sherloc (09022015). Collection method: clinical testing. Allele origin: germline.
Comment: This sequence change replaces glycine, which is neutral and non-polar, with valine, which is neutral and non-polar, at codon 217 of the RBM20 protein (p.Gly217Val). This variant is not present in population databases (gnomAD no frequency). This variant has not been reported in the literature in individuals affected with RBM20-related conditions. ClinVar contains an entry for this variant (Variation ID: 1328861). Advanced modeling of protein sequence and biophysical properties (such as structural, functional, and spatial information, amino acid conservation, physicochemical variation, residue mobility, and thermodynamic stability) performed at Invitae indicates that this missense variant is not expected to disrupt RBM20 protein function. In summary, the available evidence is currently insufficient to determine the role of this variant in disease. Therefore, it has been classified as a Variant of Uncertain Significance.

GeneDx
Classification: Uncertain significance. Last evaluated: 2021-06-17. Review status: criteria provided, single submitter. Criteria: GeneDx Variant Classification Process June 2021. Collection method: clinical testing. Allele origin: germline. Affected: yes.
Comment: Has not been previously published as pathogenic or benign to our knowledge; Not observed at significant frequency in large population cohorts (Lek et al., 2016); In silico analysis supports that this missense variant has a deleterious effect on protein structure/function; This variant is associated with the following publications: (PMID: 27535533)